The following is an entry in ClinVar:

ClinVar aggregate classification (germline): Pathogenic (1 of 4 stars; one submission).

Conditions:
Hereditary cancer-predisposing syndrome. Also called: Neoplastic Syndromes, Hereditary; Tumor predisposition; Hereditary neoplastic syndrome; Hereditary Cancer Syndrome. Identifiers: Orphanet 140162, MedGen C0027672, MeSH D009386, MONDO:0015356.

Submission:

Ambry Genetics
Classification: Pathogenic for Hereditary cancer-predisposing syndrome. Last evaluated: 2023-12-22. Review status: criteria provided, single submitter. Criteria: Ambry Variant Classification Scheme 2023. Collection method: clinical testing. Allele origin: germline.
Comment: The c.626dupA pathogenic mutation, located in coding exon 5 of the APC gene, results from a duplication of A at nucleotide position 626, causing a translational frameshift with a predicted alternate stop codon (p.D209Efs*43). This alteration is expected to result in loss of function by premature protein truncation or nonsense-mediated mRNA decay. As such, this alteration is interpreted as a disease-causing mutation.

NM_000038.6(APC):c.626dup (p.Asp209fs)

Gene: APC (APC regulator of Wnt signaling pathway; plus strand). Cytogenetic location: 5q22.2.
Variant type: Duplication.
Coding change: c.626dup on transcript NM_000038.6 (MANE Select); coding-DNA position 626, one base duplicated (A; older notation c.626dupA).
Protein change: p.Asp209fs; shifts the reading frame from aspartic acid 209.
Molecular consequence: frameshift variant. On other transcripts: 5 prime UTR variant (4), non-coding transcript variant (2).
Genome position (GRCh38, 1-based): chr5:112,780,884, A duplicated. VCF-style (leftmost placement, unchanged base first): chr5-112780883-G-GA. GRCh37 (hg19) VCF-style: chr5-112116580-G-GA.
Other names: c.626dup, p.Asp209fs (NM_001127510.3, NM_001354895.2, NM_001354896.2 and 16 more transcripts); c.656dup, p.Asp219fs (NM_001127511.3, NM_001354897.2, NM_001354902.2 and 1 more transcripts); c.551dup, p.Asp184fs (NM_001354898.2, NM_001354904.2, NM_001407451.1); c.449dup, p.Asp150fs (NM_001354900.2, NM_001354901.2, NM_001354905.2 and 1 more transcripts); c.-410dup (NM_001354906.2, NM_001407470.1, NM_001407471.1 and 1 more transcripts); short protein forms D150fs, D184fs, D209fs, D219fs.
Identifiers: ClinVar variation 3230852 (VCV003230852.1), dbSNP rs2532490085, ClinGen allele CA2825001338.